The following is an entry in ClinVar:

NM_003628.6(PKP4):c.2115A>T (p.Glu705Asp)

Genes: PKP4 (plakophilin 4; plus strand), PKP4-AS1 (PKP4 antisense RNA 1; minus strand). Cytogenetic location: 2q24.1.
Variant type: single nucleotide variant.
Coding change: c.2115A>T on transcript NM_003628.6 (MANE Select); coding-DNA position 2115, A replaced by T.
Protein change: p.Glu705Asp; replaces glutamic acid 705 with aspartic acid.
Molecular consequence: missense variant. On other transcripts: non-coding transcript variant (1).
Genome position (GRCh38, 1-based): chr2:158,661,354, A>T. VCF-style: chr2-158661354-A-T. GRCh37 (hg19) VCF-style: chr2-159517866-A-T.
Other names: c.2115A>T, p.Glu705Asp (NM_001005476.4, NM_001304971.2, NM_001377218.1 and 1 more transcripts); c.2112A>T, p.Glu704Asp (NM_001304969.3, NM_001377219.1, NM_001377220.1 and 2 more transcripts); c.1086A>T, p.Glu362Asp (NM_001304970.3); c.2109A>T, p.Glu703Asp (NM_001377222.1, NM_001377223.1); c.2106A>T, p.Glu702Asp (NM_001377224.1); short protein forms E702D, E703D, E704D, E362D, E705D.
Identifiers: ClinVar variation 2563013 (VCV002563013.2), dbSNP rs769194482, ClinGen allele CA1920891.

ClinVar aggregate classification (germline): Uncertain significance (1 of 4 stars; one submission).

Allele frequency attached by ClinVar (database versions not stated): TOPMed 0.00001; ExAC 0.00002.
gnomAD v4.1: 27 of 1,613,568 alleles (0.0017%); highest among the groups gnomAD compares: Non-Finnish European, 0.0022%; no homozygotes.

Submission:

Ambry Genetics
Classification: Uncertain significance. Last evaluated: 2023-05-12. Review status: criteria provided, single submitter. Criteria: Ambry Variant Classification Scheme 2023. Collection method: clinical testing. Allele origin: germline.
Comment: The p.E705D variant (also known as c.2115A>T), located in coding exon 12 of the PKP4 gene, results from an A to T substitution at nucleotide position 2115. The glutamic acid at codon 705 is replaced by aspartic acid, an amino acid with highly similar properties. This amino acid position is conserved. In addition, the in silico prediction for this alteration is inconclusive. Since supporting evidence is limited at this time, the clinical significance of this alteration remains unclear.